The following is an entry in ClinVar:

ClinVar aggregate classification (germline): Likely pathogenic (1 of 4 stars; one submission).

Conditions:
Mucopolysaccharidosis, MPS-II (MPS2). Also called: Hunter Syndrome; IDURONATE 2-SULFATASE DEFICIENCY; Mucopolysaccharidosis Type II; Mucopolysaccharidosis type 2; Attenuated MPS (subtype; formerly known as mild MPS II); Severe MPS II. Identifiers: Orphanet 580, Orphanet 79388, MedGen C0026705, MONDO:0010674, OMIM 309900.

Submission:

Laboratory of Diagnosis and Therapy of Lysosomal Disorders, University of Padova
Classification: Likely pathogenic for Mucopolysaccharidosis, MPS-II. Last evaluated: 2024-06-07. Review status: criteria provided, single submitter. Criteria: ACMG Guidelines, 2015. Collection method: literature only. Allele origin: germline. Observed: 2 variant alleles.
Comment: Absent from controls (or at low frequency) in gnomAD database (PM2_Moderate), Missense change at the same amino acid residue as a pathogenic variant (PM5_Moderate), Missense variant in a gene with a low rate of benign missense variation (PP2_Supporting), Multiple lines of computational evidence support a deleterious effect (PP3_Supporting)

Classification method: ACMG Guidelines [PMID:25741868] with modifications

Literature cited by the submitters: PubMed 36077388; PubMed 31877959.

NM_000202.8(IDS):c.254C>T (p.Ala85Val)

Gene: IDS (iduronate 2-sulfatase; minus strand). Cytogenetic location: Xq28.
Variant type: single nucleotide variant.
Coding change: c.254C>T on transcript NM_000202.8 (MANE Select); coding-DNA position 254, C replaced by T.
Protein change: p.Ala85Val; replaces alanine 85 with valine.
Molecular consequence: missense variant. On other transcripts: non-coding transcript variant (1), intron variant (1).
Genome position (GRCh38, 1-based): chrX:149,503,476, G>A on the plus strand (C>T on the coding strand, the complement: IDS is on the minus strand). VCF-style: chrX-149503476-G-A. GRCh37 (hg19) VCF-style: chrX-148585006-G-A.
Other names: c.254C>T, p.Ala85Val (NM_006123.5); c.15-31C>T (NM_001166550.4); short protein forms A85V.
Identifiers: ClinVar variation 3255634 (VCV003255634.2).
Genomic context (GRCh38, chrX:149,503,476, plus strand): 5'-AAGTCGTACAGGCGGGTGGTGTCAGGTCTCCTGCCAGTGAGGAAAGAAACGCGGCTCGGG[G>A]CGCACACTGCTTGCTGTTAGGGAGCAGAAGCAGAGGTAAGCATCGCCACAGCAAAACATG-3'
Protein context (NP_000193.1, residues 75-95): QNAFAQQAVC[Ala85Val]PSRVSFLTGR